The following is an entry in ClinVar:

NM_004415.4(DSP):c.7491_7492del (p.Cys2497_Glu2498delinsTer)

Gene: DSP (desmoplakin; plus strand). Cytogenetic location: 6p24.3.
Variant type: Microsatellite.
Coding change: c.7491_7492del on transcript NM_004415.4 (MANE Select); coding-DNA positions 7491 to 7492, 2 bases deleted (TG; older notation c.7491_7492delTG).
Protein change: p.Cys2497_Glu2498delinsTer.
Molecular consequence: nonsense.
Genome position (GRCh38, 1-based): chr6:7,584,753-7,584,754, TG deleted; deleting any 2 consecutive bases within chr6:7,584,749-7,584,754 gives the same sequence; the c. name uses the placement nearest the transcript's 3' end. VCF-style (leftmost placement, unchanged base first): chr6-7584748-CTG-C. GRCh37 (hg19) VCF-style: chr6-7584981-CTG-C.
Other names: c.5694_5695del, p.Cys1898_Glu1899delinsTer (NM_001008844.3); c.6162_6163del, p.Cys2054_Glu2055delinsTer (NM_001319034.2).
Identifiers: ClinVar variation 372679 (VCV000372679.7), dbSNP rs754354190, ClinGen allele CA049935.

ClinVar aggregate classification (germline): Pathogenic/Likely pathogenic. Review status: criteria provided, multiple submitters, no conflicts (2 of 4 stars). 6 submissions from 6 submitters: Pathogenic (2); Likely pathogenic (4). Last evaluated 2025-11-02.

Conditions:
Arrhythmogenic right ventricular dysplasia 8 (ARVD8). Also called: ARRHYTHMOGENIC RIGHT VENTRICULAR DYSPLASIA, FAMILIAL, 8; ARRHYTHMOGENIC RIGHT VENTRICULAR CARDIOMYOPATHY 8; Arrhythmogenic Right Ventricular Dysplasia/Cardiomyopathy 8. Identifiers: MedGen C1843896, MONDO:0011831, OMIM 607450.
Arrhythmogenic cardiomyopathy with wooly hair and keratoderma. Also called: Carvajal syndrome; PALMOPLANTAR KERATODERMA WITH LEFT VENTRICULAR CARDIOMYOPATHY AND WOOLLY HAIR; Arrhythmogenic cardiomyopathy with woolly hair and keratoderma; Dilated cardiomyopathy with woolly hair and keratoderma. Identifiers: Orphanet 65282, MedGen C1854063, MONDO:0011581, OMIM 605676.
DSP-related disorder. Also called: DSP-related disorders; DSP-related condition.
Cardiovascular phenotype. Identifiers: MedGen CN230736.
Cardiomyopathy (CMYO). Also called: Cardiomyopathies. Identifiers: Orphanet 167848, MedGen C0878544, MONDO:0004994, HP:0001638. Inheritance: Various modes of inheritance.

Submissions (6):

Labcorp Genetics (formerly Invitae), Labcorp
Classification: Pathogenic for Arrhythmogenic cardiomyopathy with wooly hair and keratoderma; Arrhythmogenic right ventricular dysplasia 8. Last evaluated: 2025-11-02. Review status: criteria provided, single submitter. Criteria: Invitae Variant Classification Sherloc (09022015). Collection method: clinical testing. Allele origin: germline.
Comment: This sequence change creates a premature translational stop signal (p.Cys2497*) in the DSP gene. While this is not anticipated to result in nonsense mediated decay, it is expected to disrupt the last 375 amino acid(s) of the DSP protein. This variant is present in population databases (rs754354190, gnomAD 0.003%). This premature translational stop signal has been observed in individual(s) with cardiomyopathy (PMID: 35083019). This variant disrupts a region of the DSP protein in which other variant(s) (p.Gln2730Serfs*16) have been determined to be pathogenic (PMID: 27532257, 28527814, 36580316; internal data). This suggests that this is a clinically significant region of the protein, and that variants that disrupt it are likely to be disease-causing. For these reasons, this variant has been classified as Pathogenic.

Ambry Genetics
Classification: Pathogenic for Cardiovascular phenotype. Last evaluated: 2025-01-14. Review status: criteria provided, single submitter. Criteria: Ambry Variant Classification Scheme 2023. Collection method: clinical testing. Allele origin: germline.
Comment: The c.7491_7492delTG pathogenic mutation, located in coding exon 24 of the DSP gene, results from a deletion of two nucleotides at nucleotide positions 7491 to 7492, causing a translational frameshift with a predicted alternate stop codon (p.C2497*). This alteration occurs at the 3' terminus of theDSP gene, is not expected to trigger nonsense-mediated mRNA decay, and impacts the last 13% of the protein. However, premature stop codons are typically deleterious in nature and the impacted region is critical for protein function (Ambry internal data). Alterations in DSP that result in haploinsufficiency or protein truncation have been reported in patients with arrhythmogenic right ventricular cardiomyopathy (ARVC) and dilated cardiomyopathy (DCM) (Fressart V et al. Europace. 2010;12(6):861-8; Elliott P et al. Circ Cardiovasc Genet. 2010;3(4):314-22; Quarta G et al. Circulation. 2011;123(23):2701-9; Garcia-Pavia P et al. Heart. 2011;97(21):1744-52; Rasmussen TB et al. Clin Genet. 2013;84(1):20-30; Pugh TJ et al. Genet Med. 2014;16(8):601-8). Based on the supporting evidence, this variant is interpreted as a disease-causing mutation.

Color Diagnostics, LLC DBA Color Health
Classification: Likely pathogenic for Cardiomyopathy. Last evaluated: 2024-04-01. Review status: criteria provided, single submitter. Criteria: ACMG Guidelines, 2015. Collection method: clinical testing. Allele origin: germline.
Comment: This variant deletes 2 nucleotides in exon 24 of the DSP gene, creating a frameshift and premature translation stop signal in the last exon. This variant is predicted to escape nonsense-mediated decay and be expressed as a truncated protein. Although functional studies have not been reported, this variant is expected to disrupt the plakin repeat domain C. Plakin repeat domains and downstream C-terminal sequence have been reported to be essential for interaction with intermediate filaments (PMID: 12101406, 12802069, 21756917). In addition, truncating variants occurring downstream of this variant are known to be disease-causing (ClinVar variation ID: 246676, 263803). This variant has been reported in homozygous state in an individual affected with arrhythmogenic right ventricular cardiomyopathy (PMID: 37418234), and in heterozygous state in another individual affected with severe dilated cardiomyopathy, who also carried a pathogenic variant in the TNNT2 gene (PMID: 30565988, 35083019). This variant has been identified in 1/251488 chromosomes in the general population by the Genome Aggregation Database (gnomAD). Loss of DSP function is a known mechanism of disease. Based on the available evidence, this variant is classified as Likely Pathogenic.

Blueprint Genetics
Classification: Likely pathogenic for DSP-related disorders. Last evaluated: 2019-12-23. Review status: criteria provided, single submitter. Criteria: ACMG Guidelines, 2015. Collection method: clinical testing. Allele origin: germline. Affected: yes. Observed: 3 variant alleles.

Stanford Center for Inherited Cardiovascular Disease, Stanford University
Classification: Likely pathogenic. Last evaluated: 2017-08-16. Review status: criteria provided, single submitter. Criteria: ACMG Guidelines, 2015. Collection method: provider interpretation. Allele origin: germline.

GeneDx
Classification: Likely pathogenic. Last evaluated: 2016-07-27. Review status: criteria provided, single submitter. Criteria: GeneDx Variant Classification (06012015). Collection method: clinical testing. Allele origin: germline. Affected: yes.
Comment: The c.7491_7492delTG variant in the DSP gene has not been reported as a pathogenic variant or as a benign variant to our knowledge. The c.7491_7492delTG variant results in the deletion of two base pairs, which leads to the replacement of a Cysteine residue with a premature stop codon at position 2497, denoted C2497X. This variant is expected to result in the loss of the last 375 amino acids causing an abnormal, truncated protein product. Multiple other downstream truncating variants in the DSP gene have been reported in HGMD in association with DSP-related disorders, including dilated cardiomyopathy (Stenson et al., 2014). Furthermore, the c.7491_7492delTG variant was not observed in approximately 6,500 individuals of European and African American ancestry in the NHLBI Exome Sequencing Project, indicating it is not a common benign variant in these populations.

Literature cited by the submitters: PubMed 35083019 (cited by 3 submitters); PubMed 27532257 (cited by Labcorp Genetics (formerly Invitae), Labcorp); PubMed 28527814 (cited by Labcorp Genetics (formerly Invitae), Labcorp); PubMed 36580316 (cited by Labcorp Genetics (formerly Invitae), Labcorp); PubMed 30565988 (cited by Ambry Genetics and Color Diagnostics, LLC DBA Color Health); PubMed 37418234 (cited by Ambry Genetics and Color Diagnostics, LLC DBA Color Health); PubMed 12101406 (cited by Color Diagnostics, LLC DBA Color Health); PubMed 12802069 (cited by Color Diagnostics, LLC DBA Color Health); PubMed 21756917 (cited by Color Diagnostics, LLC DBA Color Health).